The following is an entry in ClinVar:

NM_014330.5(PPP1R15A):c.1605C>T (p.Leu535=)

Genes: PPP1R15A (protein phosphatase 1 regulatory subunit 15A; plus strand), LOC119369032 (CRISPRi-FlowFISH-validated FTL and NUCB1 regulatory element 1; plus strand). Cytogenetic location: 19q13.33.
Variant type: single nucleotide variant.
Coding change: c.1605C>T on transcript NM_014330.5 (MANE Select); coding-DNA position 1605, C replaced by T.
Protein change: p.Leu535=; no amino-acid change (leucine 535 retained).
Molecular consequence: synonymous variant.
Genome position (GRCh38, 1-based): chr19:48,874,838, C>T. VCF-style: chr19-48874838-C-T. GRCh37 (hg19) VCF-style: chr19-49378095-C-T.
Identifiers: ClinVar variation 2650222 (VCV002650222.24), dbSNP rs34457521, ClinGen allele CA9560305.

ClinVar aggregate classification (germline): Benign (1 of 4 stars; one submission).

Allele frequency attached by ClinVar (database versions not stated): 1000 Genomes Project 30x 0.00125; 1000 Genomes Project 0.00140; TOPMed 0.00642; ESP Exome Variant Server 0.00800.
gnomAD v4.1: 13,425 of 1,611,820 alleles (0.83%); highest among the groups gnomAD compares: Non-Finnish European, 1%; 79 homozygotes.

Submission:

CeGaT Center for Human Genetics Tuebingen
Classification: Benign. Last evaluated: 2022-07-01. Review status: criteria provided, single submitter. Criteria: CeGaT Center For Human Genetics Tuebingen Variant Classification Criteria Version 2. Collection method: clinical testing. Allele origin: germline. Affected: yes. Observed: 1 variant allele.
Comment: PPP1R15A: BP4, BP7, BS1, BS2